The following is an entry in ClinVar:

ClinVar aggregate classification (germline): Uncertain significance (1 of 4 stars; one submission).

gnomAD v4.1: 1 of 1,613,592 alleles (0.000062%); highest among the groups gnomAD compares: South Asian, 0.0011%; no homozygotes.

Submission:

GeneDx
Classification: Uncertain significance. Last evaluated: 2023-07-24. Review status: criteria provided, single submitter. Criteria: GeneDx Variant Classification Process June 2021. Collection method: clinical testing. Allele origin: germline. Affected: yes.
Comment: Not observed at significant frequency in large population cohorts (gnomAD); In silico analysis supports that this missense variant does not alter protein structure/function; Has not been previously published as pathogenic or benign to our knowledge

NM_001394998.1(TANC2):c.1426C>T (p.His476Tyr)

Gene: TANC2 (tetratricopeptide repeat, ankyrin repeat and coiled-coil containing 2; plus strand). Cytogenetic location: 17q23.3.
Variant type: single nucleotide variant.
Coding change: c.1426C>T on transcript NM_001394998.1 (MANE Select); coding-DNA position 1426, C replaced by T.
Protein change: p.His476Tyr; replaces histidine 476 with tyrosine.
Molecular consequence: missense variant.
Genome position (GRCh38, 1-based): chr17:63,314,654, C>T. VCF-style: chr17-63314654-C-T. GRCh37 (hg19) VCF-style: chr17-61392015-C-T.
Other names: c.1204C>T, p.His402Tyr (NM_001411076.1, NM_025185.4); short protein forms H402Y, H476Y.
Identifiers: ClinVar variation 3361544 (VCV003361544.1).
Genomic context (GRCh38, chr17:63,314,654, plus strand): 5'-AGACTGGTGGCCCTCAGCTGCCATGGTACAAGGATGAGACAGATCGCCTCAGACAGCCCA[C>T]ATGCCTCCCCCAAACGTACGTATTCCTTTTTAAAGAACTCCCTGTTTCATTGGCGCTGAA-3'
Protein context (NP_001381927.1, residues 466-486): RMRQIASDSP[His476Tyr]ASPKHVDANR